The following is an entry in ClinVar:

ClinVar aggregate classification (germline): Pathogenic. Review status: criteria provided, single submitter (1 of 4 stars). 2 submissions from 2 submitters: Pathogenic (1). 1 of the submissions does not count toward it. Last evaluated 2022-05-22.

Conditions:
Hereditary hemorrhagic telangiectasia (HHT). Also called: ORW DISEASE; Osler Weber Rendu syndrome; OSLER-RENDU-WEBER DISEASE; Osler hemorrhagic telangiectasia syndrome. Identifiers: Orphanet 774, MedGen C0039445, MONDO:0019180. Disease mechanism: loss of function.
Telangiectasia, hereditary hemorrhagic, type 2 (HHT2). Also called: ACVRL1-Related Hereditary Hemorrhagic Telangiectasia; Telangiectasia, hereditary hemorrhagic, type II. Identifiers: Orphanet 774, MedGen C1838163, MONDO:0010880, OMIM 600376. Disease mechanism: loss of function.

Submissions (2):

Labcorp Genetics (formerly Invitae), Labcorp
Classification: Pathogenic for Telangiectasia, hereditary hemorrhagic, type 2. Last evaluated: 2022-05-22. Review status: criteria provided, single submitter. Criteria: Invitae Variant Classification Sherloc (09022015). Collection method: clinical testing. Allele origin: germline.
Comment: For these reasons, this variant has been classified as Pathogenic. ClinVar contains an entry for this variant (Variation ID: 444103). Advanced modeling of protein sequence and biophysical properties (such as structural, functional, and spatial information, amino acid conservation, physicochemical variation, residue mobility, and thermodynamic stability) performed at Invitae indicates that this missense variant is expected to disrupt ACVRL1 protein function. Algorithms developed to predict the effect of sequence changes on RNA splicing suggest that this variant may create or strengthen a splice site. This sequence change replaces glycine, which is neutral and non-polar, with serine, which is neutral and polar, at codon 402 of the ACVRL1 protein (p.Gly402Ser). This variant is not present in population databases (gnomAD no frequency). This missense change has been observed in individuals with hereditary hemorrhagic telangiectasia (PMID: 17219009, 31220907, 32300199).

Genetics, Medical University of Vienna
Classification: Likely pathogenic for Hereditary hemorrhagic telangiectasia. Last evaluated: 2024-11-01. Review status: no assertion criteria provided. Collection method: research. Allele origin: germline. Affected: yes. Not counted in ClinVar's aggregate classification.

Literature cited by the submitters: PubMed 17219009 (cited by Labcorp Genetics (formerly Invitae), Labcorp); PubMed 31220907 (cited by Labcorp Genetics (formerly Invitae), Labcorp and Genetics, Medical University of Vienna); PubMed 32300199 (cited by Labcorp Genetics (formerly Invitae), Labcorp).

NM_000020.3(ACVRL1):c.1204G>A (p.Gly402Ser)

Gene: ACVRL1 (activin A receptor like type 1; plus strand). Cytogenetic location: 12q13.13.
Variant type: single nucleotide variant.
Coding change: c.1204G>A on transcript NM_000020.3 (MANE Select); coding-DNA position 1204, G replaced by A.
Protein change: p.Gly402Ser; replaces glycine 402 with serine.
Molecular consequence: missense variant.
Genome position (GRCh38, 1-based): chr12:51,916,191, G>A. VCF-style: chr12-51916191-G-A. GRCh37 (hg19) VCF-style: chr12-52309975-G-A.
Other names: c.1204G>A, p.Gly402Ser (NM_001077401.2); short protein forms G402S.
Identifiers: ClinVar variation 444103 (VCV000444103.7), dbSNP rs1555153354, ClinGen allele CA384902923.
Genomic context (GRCh38, chr12:51,916,191, plus strand): 5'-GACGAGCAGATCCGCACGGACTGCTTTGAGTCCTACAAGTGGACTGACATCTGGGCCTTT[G>A]GCCTGGTGCTGTGGGAGATTGCCCGCCGGACCATCGTGAATGGTGAGGGCCCACCCTACA-3'
Protein context (NP_000011.2, residues 392-412): SYKWTDIWAF[Gly402Ser]LVLWEIARRT